The following is an entry in ClinVar:

NM_002506.3(NGF):c.242G>A (p.Arg81Gln)

Genes: NGF-AS1 (NGF antisense RNA 1; plus strand), NGF (nerve growth factor; minus strand). Cytogenetic location: 1p13.2.
Variant type: single nucleotide variant.
Coding change: c.242G>A on transcript NM_002506.3 (MANE Select); coding-DNA position 242, G replaced by A.
Protein change: p.Arg81Gln; replaces arginine 81 with glutamine.
Molecular consequence: missense variant.
Genome position (GRCh38, 1-based): chr1:115,286,554, C>T on the plus strand (G>A on the coding strand, the complement: NGF is on the minus strand). VCF-style: chr1-115286554-C-T. GRCh37 (hg19) VCF-style: chr1-115829175-C-T.
Other names: short protein forms R81Q.
Identifiers: ClinVar variation 1791151 (VCV001791151.5), dbSNP rs968846429, ClinGen allele CA29767557.
Genomic context (GRCh38, chr1:115,286,554, plus strand): 5'-TGAGTGTCTGCAGCTTCACGGGGAGGCTGGGTGCTAAACAGCACACGGGGTGAACGGAGT[C>T]GCCGCTTTTTAAACAGCCTGGGGTCCACAGTAATGTTGCGGGTCTGCCCCGCCACGCGTG-3'
Protein context (NP_002497.2, residues 71-91): TVDPRLFKKR[Arg81Gln]LRSPRVLFST

ClinVar aggregate classification (germline): Uncertain significance. Review status: criteria provided, multiple submitters, no conflicts (2 of 4 stars). 3 submissions from 3 submitters: Uncertain significance (3). Last evaluated 2023-04-11.

Conditions:
Inborn genetic diseases. Identifiers: MedGen C0950123, MeSH D030342.
Congenital sensory neuropathy with selective loss of small myelinated fibers (HSAN5). Also called: HSAN Type V. Identifiers: Orphanet 64752, MedGen C0020075, MONDO:0012092, OMIM 608654.

Allele frequency attached by ClinVar (database versions not stated): gnomAD exomes 0.00001; TOPMed 0.00003; gnomAD 0.00004.
gnomAD v4.1: 29 of 1,614,068 alleles (0.0018%); highest among the groups gnomAD compares: African/African-American, 0.0067%; no homozygotes.

Submissions (3):

Genome-Nilou Lab
Classification: Uncertain significance for Congenital sensory neuropathy with selective loss of small myelinated fibers. Last evaluated: 2023-04-11. Review status: criteria provided, single submitter. Criteria: ACMG Guidelines, 2015. Collection method: clinical testing. Allele origin: germline. Affected: no.

Ambry Genetics
Classification: Uncertain significance for Inborn genetic diseases. Last evaluated: 2022-05-05. Review status: criteria provided, single submitter. Criteria: Ambry Variant Classification Scheme 2023. Collection method: clinical testing. Allele origin: germline.
Comment: The p.R81Q variant (also known as c.242G>A), located in coding exon 1 of the NGF gene, results from a G to A substitution at nucleotide position 242. The arginine at codon 81 is replaced by glutamine, an amino acid with highly similar properties. This amino acid position is well conserved in available vertebrate species. In addition, this alteration is predicted to be tolerated by in silico analysis. Since supporting evidence is limited at this time, the clinical significance of this alteration remains unclear.

Labcorp Genetics (formerly Invitae), Labcorp
Classification: Uncertain significance for Congenital sensory neuropathy with selective loss of small myelinated fibers. Last evaluated: 2022-01-27. Review status: criteria provided, single submitter. Criteria: Invitae Variant Classification Sherloc (09022015). Collection method: clinical testing. Allele origin: germline.
Comment: This sequence change replaces arginine, which is basic and polar, with glutamine, which is neutral and polar, at codon 81 of the NGF protein (p.Arg81Gln). This variant is present in population databases (no rsID available, gnomAD 0.008%). This variant has not been reported in the literature in individuals affected with NGF-related conditions. Algorithms developed to predict the effect of missense changes on protein structure and function are either unavailable or do not agree on the potential impact of this missense change (SIFT: "Deleterious"; PolyPhen-2: "Benign"; Align-GVGD: "Class C0"). In summary, the available evidence is currently insufficient to determine the role of this variant in disease. Therefore, it has been classified as a Variant of Uncertain Significance.